The following is an entry in ClinVar:

NM_152743.4(BRAT1):c.513_557dup (p.Leu186_Pro187insLeuAlaLeuSerMetArgGlyGlyAlaGluGlyGlnProCysLeu)

Gene: BRAT1 (BRCA1 associated ATM activator 1; minus strand). Cytogenetic location: 7p22.3.
Variant type: Duplication.
Coding change: c.513_557dup on transcript NM_152743.4 (MANE Select); coding-DNA positions 513 to 557, 45 bases duplicated.
Protein change: p.Leu186_Pro187insLeuAlaLeuSerMetArgGlyGlyAlaGluGlyGlnProCysLeu.
Molecular consequence: initiator codon variant (on NM_001350627.2). On other transcripts: non-coding transcript variant (1).
Genome position (GRCh38, 1-based): chr7:2,543,836-2,543,880, 45 bases duplicated; duplicating any 45 consecutive bases within chr7:2,543,836-2,543,881 gives the same sequence; the c. name uses the placement nearest the transcript's 3' end. GRCh37 (hg19): chr7:2,583,471-2,583,515.
Other names: c.513_557dup, p.Leu186_Pro187insLeuAlaLeuSerMetArgGlyGlyAlaGluGlyGlnProCysLeu (NM_001350626.2); c.-13_32dup, p.Leu11_Pro12insLeuAlaLeuSerMetArgGlyGlyAlaGluGlyGlnProCysLeu (NM_001350627.2).
Identifiers: ClinVar variation 4538606 (VCV004538606.1).

ClinVar aggregate classification (germline): Uncertain significance (1 of 4 stars; one submission).

Submission:

GeneDx
Classification: Uncertain significance. Last evaluated: 2025-06-16. Review status: criteria provided, single submitter. Criteria: GeneDx Variant Classification Process June 2021. Collection method: clinical testing. Allele origin: germline. Affected: yes.
Comment: Not observed at significant frequency in large population cohorts (gnomAD); In-frame duplication of 15 amino acid(s) in a non-repeat region; Has not been previously published as pathogenic or benign to our knowledge